The following is an entry in ClinVar:

ClinVar aggregate classification (germline): Uncertain significance (1 of 4 stars; one submission).

Submission:

Labcorp Genetics (formerly Invitae), Labcorp
Classification: Uncertain significance. Last evaluated: 2024-07-24. Review status: criteria provided, single submitter. Criteria: Invitae Variant Classification Sherloc (09022015). Collection method: clinical testing. Allele origin: germline.
Comment: This sequence change replaces glutamic acid, which is acidic and polar, with glycine, which is neutral and non-polar, at codon 36 of the CD46 protein (p.Glu36Gly). This variant is not present in population databases (gnomAD no frequency). This variant has not been reported in the literature in individuals affected with CD46-related conditions. Advanced modeling of protein sequence and biophysical properties (such as structural, functional, and spatial information, amino acid conservation, physicochemical variation, residue mobility, and thermodynamic stability) performed at Invitae indicates that this missense variant is not expected to disrupt CD46 protein function with a negative predictive value of 80%. In summary, the available evidence is currently insufficient to determine the role of this variant in disease. Therefore, it has been classified as a Variant of Uncertain Significance.

NM_172351.3(CD46):c.107A>G (p.Glu36Gly)

Gene: CD46 (CD46 molecule; plus strand). Cytogenetic location: 1q32.2.
Variant type: single nucleotide variant.
Coding change: c.107A>G on transcript NM_172351.3 (MANE Select); coding-DNA position 107, A replaced by G.
Protein change: p.Glu36Gly; replaces glutamic acid 36 with glycine.
Molecular consequence: missense variant.
Genome position (GRCh38, 1-based): chr1:207,757,023, A>G. VCF-style: chr1-207757023-A-G. GRCh37 (hg19) VCF-style: chr1-207930368-A-G.
Other names: c.107A>G, p.Glu36Gly (NM_172357.3, NM_172358.3, NM_172359.3 and 8 more transcripts); short protein forms E36G.
Identifiers: ClinVar variation 3696954 (VCV003696954.2).
Genomic context (GRCh38, chr1:207,757,023, plus strand): 5'-TGAAAGTGATATCAGTACTTCATCTTCATGTTCCTATTCTCTTATCCCTAGATGCCTGTG[A>G]GGAGCCACCAACATTTGAAGCTATGGAGCTCATTGGTAAACCAAAACCCTACTATGAGAT-3'
Protein context (NP_758861.1, residues 26-46): LLLYSFSDAC[Glu36Gly]EPPTFEAMEL